The following is an entry in ClinVar:

NM_001085.5(SERPINA3):c.798G>A (p.Leu266=)

Gene: SERPINA3 (serpin family A member 3; plus strand). Cytogenetic location: 14q32.13.
Variant type: single nucleotide variant.
Coding change: c.798G>A on transcript NM_001085.5 (MANE Select); coding-DNA position 798, G replaced by A.
Protein change: p.Leu266=; no amino-acid change (leucine 266 retained).
Molecular consequence: synonymous variant.
Genome position (GRCh38, 1-based): chr14:94,619,349, G>A. VCF-style: chr14-94619349-G-A. GRCh37 (hg19) VCF-style: chr14-95085686-G-A.
Identifiers: ClinVar variation 770783 (VCV000770783.29), dbSNP rs113864331, ClinGen allele CA7329891.
Genomic context (GRCh38, chr14:94,619,349, plus strand): 5'-GCATCACCTGACTATACCTTACTTCCGGGACGAGGAGCTGTCCTGCACCGTGGTGGAGCT[G>A]AAGTACACAGGCAATGCCAGCGCACTCTTCATCCTCCCTGATCAAGACAAGATGGAGGAA-3'
Protein context (NP_001076.2, residues 256-276): DEELSCTVVE[Leu266=]KYTGNASALF

ClinVar aggregate classification (germline): Benign. Review status: criteria provided, multiple submitters, no conflicts (2 of 4 stars). 3 submissions from 3 submitters: Benign (3). Last evaluated 2023-10-01.

Allele frequency attached by ClinVar (database versions not stated): 1000 Genomes Project 0.00300; 1000 Genomes Project 30x 0.00328; TOPMed 0.00610; gnomAD 0.00692 and 0.00694; gnomAD exomes 0.00720 and 0.01103; ExAC 0.00770; ESP Exome Variant Server 0.00838.

Submissions (3):

CeGaT Center for Human Genetics Tuebingen
Classification: Benign. Last evaluated: 2023-10-01. Review status: criteria provided, single submitter. Criteria: CeGaT Center For Human Genetics Tuebingen Variant Classification Criteria Version 2. Collection method: clinical testing. Allele origin: germline. Affected: yes. Observed: 4 variant alleles.
Comment: SERPINA3: BP4, BP7, BS1, BS2

Labcorp Genetics (formerly Invitae), Labcorp
Classification: Benign. Last evaluated: 2019-12-31. Review status: criteria provided, single submitter. Criteria: Invitae Variant Classification Sherloc (09022015). Collection method: clinical testing. Allele origin: germline.

Breakthrough Genomics
Classification: Benign. Review status: criteria provided, single submitter. Criteria: ACMG Guidelines, 2015. Collection method: not provided. Allele origin: germline. Inheritance: Unknown mechanism. Affected: yes.